The following is an entry in ClinVar:

ClinVar aggregate classification (germline): Likely benign (1 of 4 stars; one submission).

gnomAD v4.1: 105 of 1,521,066 alleles (0.0069%); highest among the groups gnomAD compares: African/African-American, 0.082%; no homozygotes.

Submission:

CeGaT Center for Human Genetics Tuebingen
Classification: Likely benign. Last evaluated: 2026-01-01. Review status: criteria provided, single submitter. Criteria: CeGaT Center For Human Genetics Tuebingen Variant Classification Criteria Version 2. Collection method: clinical testing. Allele origin: germline. Affected: yes. Observed: 1 variant allele.
Comment: SGSM3: BP4, BP7

NM_015705.6(SGSM3):c.189G>A (p.Ala63=)

Gene: SGSM3 (small G protein signaling modulator 3; plus strand). Cytogenetic location: 22q13.1.
Variant type: single nucleotide variant.
Coding change: c.189G>A on transcript NM_015705.6 (MANE Select); coding-DNA position 189, G replaced by A.
Protein change: p.Ala63=; no amino-acid change (alanine 63 retained).
Molecular consequence: synonymous variant. On other transcripts: 5 prime UTR variant (4), non-coding transcript variant (3), intron variant (4).
Genome position (GRCh38, 1-based): chr22:40,404,278, G>A. VCF-style: chr22-40404278-G-A. GRCh37 (hg19) VCF-style: chr22-40800282-G-A.
Other names: c.189G>A, p.Ala63= (NM_001350039.2, NM_001350040.2, NM_001350041.2); c.-13G>A (NM_001350043.2, NM_001350046.2, NM_001350047.2); c.-357G>A (NM_001350048.2); c.31-31G>A (NM_001350042.2, NM_001350045.2, NM_001350044.2 and 1 more transcripts).
Identifiers: ClinVar variation 4821705 (VCV004821705.4).